The following is an entry in ClinVar:

NM_182931.3(KMT2E):c.5086C>T (p.Pro1696Ser)

Gene: KMT2E (lysine methyltransferase 2E (inactive); plus strand). Cytogenetic location: 7q22.3.
Variant type: single nucleotide variant.
Coding change: c.5086C>T on transcript NM_182931.3 (MANE Select); coding-DNA position 5086, C replaced by T.
Protein change: p.Pro1696Ser; replaces proline 1696 with serine.
Molecular consequence: missense variant.
Genome position (GRCh38, 1-based): chr7:105,112,842, C>T. VCF-style: chr7-105112842-C-T. GRCh37 (hg19) VCF-style: chr7-104753289-C-T.
Other names: c.4960C>T, p.Pro1654Ser (NM_001410908.1); c.5086C>T, p.Pro1696Ser (NM_018682.4); short protein forms P1654S, P1696S.
Identifiers: ClinVar variation 3368217 (VCV003368217.1).

ClinVar aggregate classification (germline): Uncertain significance (1 of 4 stars; one submission).

Submission:

GeneDx
Classification: Uncertain significance. Last evaluated: 2024-01-28. Review status: criteria provided, single submitter. Criteria: GeneDx Variant Classification Process June 2021. Collection method: clinical testing. Allele origin: germline. Affected: yes.
Comment: Not observed at significant frequency in large population cohorts (gnomAD); In silico analysis supports that this missense variant does not alter protein structure/function; Has not been previously published as pathogenic or benign to our knowledge